The following is an entry in ClinVar:

NM_003664.5(AP3B1):c.570A>G (p.Glu190=)

Gene: AP3B1 (adaptor related protein complex 3 subunit beta 1; minus strand). Cytogenetic location: 5q14.1.
Variant type: single nucleotide variant.
Coding change: c.570A>G on transcript NM_003664.5 (MANE Select); coding-DNA position 570, A replaced by G.
Protein change: p.Glu190=; no amino-acid change (glutamic acid 190 retained).
Molecular consequence: synonymous variant.
Genome position (GRCh38, 1-based): chr5:78,225,575, T>C on the plus strand (A>G on the coding strand, the complement: AP3B1 is on the minus strand). VCF-style: chr5-78225575-T-C. GRCh37 (hg19) VCF-style: chr5-77521399-T-C.
Other names: c.423A>G, p.Glu141= (NM_001271769.2).
Identifiers: ClinVar variation 1374507 (VCV001374507.8), dbSNP rs2112491939, ClinGen allele CA445111250.

ClinVar aggregate classification (germline): Uncertain significance (1 of 4 stars; one submission).

Conditions:
Hermansky-Pudlak syndrome 2 (HPS2). Also called: Platelet defects and oculocutaneous albinism. Identifiers: Orphanet 183678, Orphanet 79430, MedGen C1842362, MONDO:0011997, OMIM 608233.

Submission:

Labcorp Genetics (formerly Invitae), Labcorp
Classification: Uncertain significance for Hermansky-Pudlak syndrome 2. Last evaluated: 2022-03-03. Review status: criteria provided, single submitter. Criteria: Invitae Variant Classification Sherloc (09022015). Collection method: clinical testing. Allele origin: germline.
Comment: This variant has not been reported in the literature in individuals affected with AP3B1-related conditions. This variant is not present in population databases (gnomAD no frequency). This sequence change affects codon 190 of the AP3B1 mRNA. It is a 'silent' change, meaning that it does not change the encoded amino acid sequence of the AP3B1 protein. Algorithms developed to predict the effect of sequence changes on RNA splicing suggest that this variant may create or strengthen a splice site. In summary, the available evidence is currently insufficient to determine the role of this variant in disease. Therefore, it has been classified as a Variant of Uncertain Significance.